The following is an entry in ClinVar:

ClinVar aggregate classification (germline): not provided (0 of 4 stars; one submission).

Submission:

ITMI
No classification provided. Condition: AllHighlyPenetrant. Last evaluated: 2013-09-19. Review status: no classification provided. Collection method: reference population. Allele origin: germline.
Comment: Please see associated publication for description of ethnicities

Literature cited by the submitters: PubMed 24728327.

NM_000135.4(FANCA):c.1861del (p.Tyr621fs)

Gene: FANCA (FA complementation group A; minus strand). Cytogenetic location: 16q24.3.
Variant type: Deletion.
Coding change: c.1861del on transcript NM_000135.4 (MANE Select); coding-DNA position 1861, one base deleted (T; older notation c.1861delT).
Protein change: p.Tyr621fs; shifts the reading frame from tyrosine 621.
Molecular consequence: frameshift variant.
Genome position (GRCh38, 1-based): chr16:89,775,781, A deleted on the plus strand (T on the coding strand, the reverse complement: FANCA is on the minus strand). VCF-style (leftmost placement, unchanged base first): chr16-89775780-TA-T. GRCh37 (hg19) VCF-style: chr16-89842188-TA-T.
Other names: c.1861del, p.Tyr621fs (NM_001286167.3); short protein forms Y621fs.
Identifiers: ClinVar variation 134246 (VCV000134246.1), dbSNP rs587778311, ClinGen allele CA159253.